The following is an entry in ClinVar:

NM_000161.3(GCH1):c.745A>G (p.Arg249Gly)

Gene: GCH1 (GTP cyclohydrolase 1; minus strand). Cytogenetic location: 14q22.2.
Variant type: single nucleotide variant.
Coding change: c.745A>G on transcript NM_000161.3 (MANE Select); coding-DNA position 745, A replaced by G.
Protein change: p.Arg249Gly; replaces arginine 249 with glycine.
Molecular consequence: missense variant. On other transcripts: intron variant (2).
Genome position (GRCh38, 1-based): chr14:54,844,025, T>C on the plus strand (A>G on the coding strand, the complement: GCH1 is on the minus strand). VCF-style: chr14-54844025-T-C. GRCh37 (hg19) VCF-style: chr14-55310743-T-C.
Other names: c.745A>G, p.Arg249Gly (NM_001024024.2); c.627-971A>G (NM_001024071.2); c.627-156A>G (NM_001024070.2); short protein forms R249G.
Identifiers: ClinVar variation 940380 (VCV000940380.40), dbSNP rs2039600745, ClinGen allele CA389786599.
Genomic context (GRCh38, chr14:54,844,025, plus strand): 5'-CAATGCTACTGGCAGTACGATCGGCAACCAACGCACACACACTGAATGAAGCTCAGCTCC[T>C]AATGAGAGTCAGGAACTCTTCCCGAGTCTTTGGATCCTCCCGGAACACACCCAACATTGT-3'
Protein context (NP_000152.1, residues 239-250): KTREEFLTLI[Arg249Gly]S

ClinVar aggregate classification (germline): Conflicting classifications of pathogenicity. Review status: criteria provided, conflicting classifications (1 of 4 stars). 5 submissions from 5 submitters: Likely pathogenic (1); Uncertain significance (4). Last evaluated 2025-11-14.

Conditions:
GTP cyclohydrolase I deficiency. Identifiers: MedGen C0268467, MONDO:0100184.
Dystonia 5 (DRD). Also called: GTP Cyclohydrolase 1-Deficient Dopa-Responsive Dystonia; Dystonia, DOPA-responsive, with or without hyperphenylalaninemia; DYSTONIA, PROGRESSIVE, WITH DIURNAL VARIATION; DYSTONIA-PARKINSONISM WITH DIURNAL FLUCTUATION; DYT-GCH1. Identifiers: Orphanet 98808, MedGen C1851920, MONDO:0007495, OMIM 128230.
GTP cyclohydrolase I deficiency with hyperphenylalaninemia (HPABH4B). Also called: Hyperphenylalaninemia, tetrahydrobiopterin-deficient, due to GTP cyclohydrolase 1 deficiency; HYPERPHENYLALANINEMIA, TETRAHYDROBIOPTERIN-DEFICIENT, DUE TO GTP CYCLOHYDROLASE I DEFICIENCY; HYPERPHENYLALANINEMIA, BH4-DEFICIENT, B. Identifiers: Orphanet 2102, Orphanet 238583, MedGen CN305333, MONDO:0100186, OMIM 233910.

Allele frequency attached by ClinVar (database versions not stated): gnomAD exomes below 0.00001.
gnomAD v4.1: 1 of 1,614,148 alleles (0.000062%); highest among the groups gnomAD compares: Non-Finnish European, 0.000085%; no homozygotes.

Submissions (5):

Dasa
Classification: Uncertain significance for GTP cyclohydrolase I deficiency with hyperphenylalaninemia. Last evaluated: 2025-11-14. Review status: criteria provided, single submitter. Criteria: DASA Assertion Criteria. Collection method: clinical testing. Allele origin: germline.
Comment: NM_000161.3(GCH1):c.745A>G (p.Arg249Gly) is a missense variant that results in the substitution of arginine with glycine. The affected residue or protein region has prior evidence supporting clinical relevance. This variant is rare in population databases. The currently available literature and clinical evidence are not sufficient to establish a definitive association between this variant and the reported condition. Therefore, this variant is classified as a variant of uncertain significance.

Institute of Human Genetics Munich, TUM University Hospital
Classification: Likely pathogenic for Dystonia 5. Last evaluated: 2023-07-17. Review status: criteria provided, single submitter. Criteria: Classification criteria August 2017. Collection method: clinical testing. Allele origin: inherited. Inheritance: Autosomal recessive inheritance. Affected: yes. Observed: 1 variant allele.

CeGaT Center for Human Genetics Tuebingen
Classification: Uncertain significance. Last evaluated: 2023-07-01. Review status: criteria provided, single submitter. Criteria: CeGaT Center For Human Genetics Tuebingen Variant Classification Criteria Version 2. Collection method: clinical testing. Allele origin: germline. Affected: yes. Observed: 1 variant allele.
Comment: GCH1: PM2

Labcorp Genetics (formerly Invitae), Labcorp
Classification: Uncertain significance for GTP cyclohydrolase I deficiency; Dystonia 5. Last evaluated: 2022-10-25. Review status: criteria provided, single submitter. Criteria: Invitae Variant Classification Sherloc (09022015). Collection method: clinical testing. Allele origin: germline.
Comment: This sequence change replaces arginine, which is basic and polar, with glycine, which is neutral and non-polar, at codon 249 of the GCH1 protein (p.Arg249Gly). This variant is not present in population databases (gnomAD no frequency). This variant has not been reported in the literature in individuals affected with GCH1-related conditions. ClinVar contains an entry for this variant (Variation ID: 940380). Advanced modeling of protein sequence and biophysical properties (such as structural, functional, and spatial information, amino acid conservation, physicochemical variation, residue mobility, and thermodynamic stability) performed at Invitae indicates that this missense variant is not expected to disrupt GCH1 protein function. In summary, the available evidence is currently insufficient to determine the role of this variant in disease. Therefore, it has been classified as a Variant of Uncertain Significance.

New York Genome Center
Classification: Uncertain significance for Dystonia 5. Last evaluated: 2022-01-28. Review status: criteria provided, single submitter. Criteria: NYGC Assertion Criteria 2020. Collection method: clinical testing. Allele origin: germline. Observed: 1 heterozygote. Study: CSER-NYCKidSeq.